The following is an entry in ClinVar:

NM_000069.3(CACNA1S):c.5387G>A (p.Gly1796Asp)

Gene: CACNA1S (calcium voltage-gated channel subunit alpha1 S; minus strand). Cytogenetic location: 1q32.1.
Variant type: single nucleotide variant.
Coding change: c.5387G>A on transcript NM_000069.3 (MANE Select); coding-DNA position 5387, G replaced by A.
Protein change: p.Gly1796Asp; replaces glycine 1796 with aspartic acid.
Molecular consequence: missense variant.
Genome position (GRCh38, 1-based): chr1:201,040,066, C>T on the plus strand (G>A on the coding strand, the complement: CACNA1S is on the minus strand). VCF-style: chr1-201040066-C-T. GRCh37 (hg19) VCF-style: chr1-201009194-C-T.
Other names: c.5387G>A (NM_000069.2); short protein forms G1796D.
Identifiers: ClinVar variation 1394596 (VCV001394596.10), dbSNP rs746407476, ClinGen allele CA083844.
Genomic context (GRCh38, chr1:201,040,066, plus strand): 5'-TCTGCCAGGGCCTGGCCTGTTGCCATGATGAAGTTTGCATCAGCTGCCAAGGTGCCCAGG[C>T]CCCCTCGAACCAGAGCCTGCAGGGAGGAGAGTAGGCTGAGTGGGGTCTTCCTGGGGAGCC-3'
Protein context (NP_000060.2, residues 1786-1806): LLIQKALVRG[Gly1796Asp]LGTLAADANF

ClinVar aggregate classification (germline): Conflicting classifications of pathogenicity. Review status: criteria provided, conflicting classifications (1 of 4 stars). 4 submissions from 4 submitters: Uncertain significance (3); Likely benign (1). Last evaluated 2025-09-10.

Conditions:
Malignant hyperthermia, susceptibility to, 5 (MHS5). Also called: CACNA1S-Related Malignant Hyperthermia Susceptibility. Identifiers: Orphanet 423, MedGen C1866077, MONDO:0011163, OMIM 601887.
Hypokalemic periodic paralysis, type 1. Also called: HypoPP; Hypokalemic Periodic Paralysis Type 1 (AD). Identifiers: Orphanet 681, MedGen C3714580, MONDO:0042979, OMIM 170400.
Inborn genetic diseases. Identifiers: MedGen C0950123, MeSH D030342.

Allele frequency attached by ClinVar (database versions not stated): ExAC 0.00001; gnomAD exomes 0.00001; gnomAD 0.00002; TOPMed 0.00002.
gnomAD v4.1: 17 of 1,614,080 alleles (0.0011%); highest among the groups gnomAD compares: Admixed American, 0.0033%; no homozygotes.

Submissions (4):

Ambry Genetics
Classification: Uncertain significance for Inborn genetic diseases. Last evaluated: 2025-09-10. Review status: criteria provided, single submitter. Criteria: Ambry Variant Classification Scheme 2023. Collection method: clinical testing. Allele origin: germline.

Labcorp Genetics (formerly Invitae), Labcorp
Classification: Likely benign for Hypokalemic periodic paralysis, type 1; Malignant hyperthermia, susceptibility to, 5. Last evaluated: 2025-06-18. Review status: criteria provided, single submitter. Criteria: Invitae Variant Classification Sherloc (09022015). Collection method: clinical testing. Allele origin: germline.

All of Us Research Program, National Institutes of Health
Classification: Uncertain significance for Malignant hyperthermia, susceptibility to, 5. Last evaluated: 2024-05-14. Review status: criteria provided, single submitter. Criteria: ACMG Guidelines, 2015. Collection method: clinical testing. Allele origin: germline. Inheritance: Autosomal dominant inheritance. Observed: 3 variant alleles, 3 heterozygotes.
Comment: This missense variant replaces glycine with aspartic acid at codon 1796 of the CACNA1S protein. Computational prediction is inconclusive regarding the impact of this variant on protein structure and function (internally defined REVEL score threshold 0.5 < inconclusive < 0.7, PMID: 27666373). To our knowledge, functional studies have not been reported for this variant. This variant has not been reported in individuals affected with malignant hyperthermia in the literature. This variant has been identified in 3/250292 chromosomes in the general population by the Genome Aggregation Database (gnomAD). The available evidence is insufficient to determine the role of this variant in disease conclusively. Therefore, this variant is classified as a Variant of Uncertain Significance.

This study involves interpretation of variants in research participants for the purpose of population health screening. Participant phenotype was not available at the time of variant classification. Additional details can be found in publication PMID: 35346344, PMCID: PMC8962531

Color Diagnostics, LLC DBA Color Health
Classification: Uncertain significance for Malignant hyperthermia, susceptibility to, 5. Last evaluated: 2024-03-06. Review status: criteria provided, single submitter. Criteria: ACMG Guidelines, 2015. Collection method: clinical testing. Allele origin: germline.
Comment: This missense variant replaces glycine with aspartic acid at codon 1796 of the CACNA1S protein. Computational prediction is inconclusive regarding the impact of this variant on protein structure and function. To our knowledge, functional studies have not been reported for this variant. This variant has not been reported in individuals affected with malignant hyperthermia in the literature. This variant has been identified in 3/250292 chromosomes in the general population by the Genome Aggregation Database (gnomAD). The available evidence is insufficient to determine the role of this variant in disease conclusively. Therefore, this variant is classified as a Variant of Uncertain Significance.